The following is an entry in ClinVar:

ClinVar aggregate classification (germline): Likely benign. Review status: criteria provided, multiple submitters, no conflicts (2 of 4 stars). 2 submissions from 2 submitters: Likely benign (2). Last evaluated 2018-02-22.

Conditions:
Hereditary cancer-predisposing syndrome. Also called: Hereditary Cancer Syndrome; Hereditary neoplastic syndrome; Neoplastic Syndromes, Hereditary; Tumor predisposition. Identifiers: Orphanet 140162, MedGen C0027672, MeSH D009386, MONDO:0015356.

Allele frequency attached by ClinVar (database versions not stated): gnomAD exomes below 0.00001.

Submissions (2):

Color Diagnostics, LLC DBA Color Health
Classification: Likely benign for Hereditary cancer-predisposing syndrome. Last evaluated: 2018-02-22. Review status: criteria provided, single submitter. Criteria: ACMG Guidelines, 2015. Collection method: clinical testing. Allele origin: germline.

GeneDx
Classification: Likely benign. Last evaluated: 2016-02-22. Review status: criteria provided, single submitter. Criteria: GeneDx Variant Classification (06012015). Collection method: clinical testing. Allele origin: germline. Affected: yes.
Comment: This variant is considered likely benign or benign based on one or more of the following criteria: it is a conservative change, it occurs at a poorly conserved position in the protein, it is predicted to be benign by multiple in silico algorithms, and/or has population frequency not consistent with disease.

NM_007294.4(BRCA1):c.4137T>C (p.Ser1379=)

Gene: BRCA1 (BRCA1 DNA repair associated; minus strand). Cytogenetic location: 17q21.31.
Variant type: single nucleotide variant.
Coding change: c.4137T>C on transcript NM_007294.4 (MANE Select); coding-DNA position 4137, T replaced by C.
Protein change: p.Ser1379=; no amino-acid change (serine 1379 retained).
Molecular consequence: synonymous variant.
Genome position (GRCh38, 1-based): chr17:43,090,992, A>G on the plus strand (T>C on the coding strand, the complement: BRCA1 is on the minus strand). VCF-style: chr17-43090992-A-G. GRCh37 (hg19) VCF-style: chr17-41243009-A-G.
Other names: c.705T>C, p.Ser235= (NM_001408436.1, NM_001408437.1, NM_001408439.1 and 12 more transcripts); c.4011T>C, p.Ser1337= (NM_001407940.1, NM_001407941.1, NM_001407670.1 and 11 more transcripts); c.618T>C, p.Ser206= (NM_001408489.1, NM_001408492.1, NM_001408478.1 and 9 more transcripts); c.825T>C, p.Ser275= (NM_001407984.1, NM_001407985.1, NM_001407991.1 and 13 more transcripts); c.615T>C, p.Ser205= (NM_001408490.1, NM_001408493.1, NM_001408491.1); c.3804T>C, p.Ser1268= (NM_001407948.1, NM_001407946.1, NM_001407947.1 and 6 more transcripts); c.564T>C, p.Ser188= (NM_001408496.1, NM_001408497.1, NM_001408498.1 and 3 more transcripts); c.3996T>C, p.Ser1332= (NM_001407944.1, NM_001407945.1, NM_001407942.1 and 29 more transcripts); and 41 more.
Identifiers: ClinVar variation 384118 (VCV000384118.4), dbSNP rs1057521866, ClinGen allele CA16607616.